The following is an entry in ClinVar:

ClinVar aggregate classification (germline): Likely benign (1 of 4 stars; one submission).

Submission:

CeGaT Center for Human Genetics Tuebingen
Classification: Likely benign. Last evaluated: 2025-07-01. Review status: criteria provided, single submitter. Criteria: CeGaT Center For Human Genetics Tuebingen Variant Classification Criteria Version 2. Collection method: clinical testing. Allele origin: germline. Affected: yes. Observed: 1 variant allele.
Comment: MCPH1: PM2:Supporting, BP4, BP7

NM_024596.5(MCPH1):c.2452+4303T>A

Genes: MCPH1-AS1 (MCPH1 antisense RNA 1; minus strand), MCPH1 (microcephalin 1; plus strand). Cytogenetic location: 8p23.1.
Variant type: single nucleotide variant.
Coding change: c.2452+4303T>A on transcript NM_024596.5 (MANE Select); 4303 bases into the intron after coding-DNA position 2452, T replaced by A.
Molecular consequence: intron variant. On other transcripts: synonymous variant (1).
Genome position (GRCh38, 1-based): chr8:6,625,994, T>A. VCF-style: chr8-6625994-T-A. GRCh37 (hg19) VCF-style: chr8-6483515-T-A.
Other names: c.2490T>A, p.Thr830= (NM_001410917.1); c.2594+957T>A (NM_001322042.2); c.2173+4303T>A (NM_001363980.2); c.2452+4303T>A (NM_001363979.1).
Identifiers: ClinVar variation 4085337 (VCV004085337.8).